The following is an entry in ClinVar:

ClinVar aggregate classification (germline): Uncertain significance (1 of 4 stars; one submission).

Conditions:
Hypertrophic cardiomyopathy 14. Identifiers: MedGen C2750467, MONDO:0013197, OMIM 613251.

Submission:

Labcorp Genetics (formerly Invitae), Labcorp
Classification: Uncertain significance for Hypertrophic cardiomyopathy 14. Last evaluated: 2023-08-04. Review status: criteria provided, single submitter. Criteria: Invitae Variant Classification Sherloc (09022015). Collection method: clinical testing. Allele origin: germline.
Comment: In summary, the available evidence is currently insufficient to determine the role of this variant in disease. Therefore, it has been classified as a Variant of Uncertain Significance. Advanced modeling of protein sequence and biophysical properties (such as structural, functional, and spatial information, amino acid conservation, physicochemical variation, residue mobility, and thermodynamic stability) performed at Invitae indicates that this missense variant is expected to disrupt MYH6 protein function. ClinVar contains an entry for this variant (Variation ID: 659955). This variant has not been reported in the literature in individuals affected with MYH6-related conditions. This variant is not present in population databases (gnomAD no frequency). This sequence change replaces glutamic acid, which is acidic and polar, with glycine, which is neutral and non-polar, at codon 346 of the MYH6 protein (p.Glu346Gly).

NM_002471.4(MYH6):c.1037A>G (p.Glu346Gly)

Gene: MYH6 (myosin heavy chain 6; minus strand). Cytogenetic location: 14q11.2.
Variant type: single nucleotide variant.
Coding change: c.1037A>G on transcript NM_002471.4 (MANE Select); coding-DNA position 1037, A replaced by G.
Protein change: p.Glu346Gly; replaces glutamic acid 346 with glycine.
Molecular consequence: missense variant.
Genome position (GRCh38, 1-based): chr14:23,402,568, T>C on the plus strand (A>G on the coding strand, the complement: MYH6 is on the minus strand). VCF-style: chr14-23402568-T-C. GRCh37 (hg19) VCF-style: chr14-23871777-T-C.
Other names: short protein forms E346G.
Identifiers: ClinVar variation 659955 (VCV000659955.8), dbSNP rs1595062727, ClinGen allele CA389026389.